The following is an entry in ClinVar:

ClinVar aggregate classification (germline): Uncertain significance (1 of 4 stars; one submission).

Submission:

GeneDx
Classification: Uncertain significance. Last evaluated: 2025-07-03. Review status: criteria provided, single submitter. Criteria: GeneDx Variant Classification Process June 2021. Collection method: clinical testing. Allele origin: germline. Affected: yes.
Comment: Not observed at significant frequency in large population cohorts (gnomAD); In silico analysis suggests that this missense variant does not alter protein structure/function; Has not been previously published as pathogenic or benign to our knowledge

NM_001492.6(GDF1):c.77T>G (p.Leu26Arg)

Genes: CERS1 (ceramide synthase 1; minus strand), GDF1 (growth differentiation factor 1; minus strand). Cytogenetic location: 19p13.11.
Variant type: single nucleotide variant.
Coding change: c.77T>G on transcript NM_001492.6 (MANE Select); coding-DNA position 77, T replaced by G.
Protein change: p.Leu26Arg; replaces leucine 26 with arginine.
Molecular consequence: missense variant. On other transcripts: 3 prime UTR variant (2).
Genome position (GRCh38, 1-based): chr19:18,870,231, A>C on the plus strand (T>G on the coding strand, the complement: GDF1 is on the minus strand). VCF-style: chr19-18870231-A-C. GRCh37 (hg19) VCF-style: chr19-18981040-A-C.
Other names: c.*346T>G (NM_001387440.1, NM_021267.5); c.77T>G, p.Leu26Arg (NM_001387438.1); short protein forms L26R.
Identifiers: ClinVar variation 4681007 (VCV004681007.1).